The following is an entry in ClinVar:

NM_001374385.1(ATP8B1):c.1710C>T (p.Leu570=)

Gene: ATP8B1 (ATPase phospholipid transporting 8B1; minus strand). Cytogenetic location: 18q21.31.
Variant type: single nucleotide variant.
Coding change: c.1710C>T on transcript NM_001374385.1 (MANE Select); coding-DNA position 1710, C replaced by T.
Protein change: p.Leu570=; no amino-acid change (leucine 570 retained).
Molecular consequence: synonymous variant.
Genome position (GRCh38, 1-based): chr18:57,674,943, G>A on the plus strand (C>T on the coding strand, the complement: ATP8B1 is on the minus strand). VCF-style: chr18-57674943-G-A. GRCh37 (hg19) VCF-style: chr18-55342175-G-A.
Other names: c.1560C>T, p.Leu520= (NM_001374386.1); c.1710C>T, p.Leu570= (NM_005603.6); c.1710C>T (NM_005603.4).
Identifiers: ClinVar variation 2719034 (VCV002719034.6), dbSNP rs777626084, ClinGen allele CA8974494.

ClinVar aggregate classification (germline): Likely benign. Review status: criteria provided, multiple submitters, no conflicts (2 of 4 stars). 3 submissions from 3 submitters: Likely benign (2). 1 of the submissions does not count toward it. Last evaluated 2026-04-14.

Conditions:
Familial intrahepatic cholestasis. Identifiers: Orphanet 284385, MedGen CN296401, MONDO:0017290.
ATP8B1-related disorder. Also called: ATP8B1-related condition; ATP8B1-related disorders.

Allele frequency attached by ClinVar (database versions not stated): gnomAD 0.00003; ExAC 0.00004; TOPMed 0.00005.
gnomAD v4.1: 43 of 1,614,128 alleles (0.0027%); highest among the groups gnomAD compares: South Asian, 0.022%; no homozygotes.

Submissions (3):

Genomenon, Inc
Classification: Likely benign for Familial intrahepatic cholestasis. Last evaluated: 2026-04-14. Review status: criteria provided, single submitter. Criteria: Genomenon Sequence Variant Interpretation Standards - Updated. Collection method: curation. Allele origin: germline. Affected: no.
Comment: ATP8B1 c.1710C>T is a synonymous variant that retains Leucine at residue 570. This variant has been reported in the published literature (PMID:24260417). It is absent or not present at a significant frequency in gnomAD. This synonymous variant is not predicted to impact splicing. In conclusion, we classify ATP8B1 p.Leu570= (c.1710C>T) as a likely benign variant.

Labcorp Genetics (formerly Invitae), Labcorp
Classification: Likely benign. Last evaluated: 2024-03-14. Review status: criteria provided, single submitter. Criteria: Invitae Variant Classification Sherloc (09022015). Collection method: clinical testing. Allele origin: germline.

PreventionGenetics, part of Exact Sciences
Classification: Likely benign for ATP8B1-related condition. Last evaluated: 2024-05-09. Review status: no assertion criteria provided. Collection method: clinical testing. Allele origin: germline. Not counted in ClinVar's aggregate classification.
Comment: This variant is classified as likely benign based on ACMG/AMP sequence variant interpretation guidelines (Richards et al. 2015 PMID: 25741868, with internal and published modifications).

Literature cited by the submitters: PubMed 24260417 (cited by Genomenon, Inc).